The following is an entry in ClinVar:

ClinVar aggregate classification (germline): Benign. Review status: criteria provided, multiple submitters, no conflicts (2 of 4 stars). 2 submissions from 2 submitters: Benign (2). Last evaluated 2018-01-12.

Conditions:
Cone-rod dystrophy 5 (CORD5). Identifiers: Orphanet 1872, MedGen C1832976, MONDO:0010969, OMIM 600977.

Allele frequency attached by ClinVar (database versions not stated): TOPMed 0.00283; gnomAD 0.00369 and 0.00398; 1000 Genomes Project 30x 0.00562; 1000 Genomes Project 0.00599.

Submissions (2):

Illumina Laboratory Services, Illumina
Classification: Benign for Cone-rod dystrophy 5. Last evaluated: 2018-01-12. Review status: criteria provided, single submitter. Criteria: ICSL Variant Classification Criteria 13 December 2019. Collection method: clinical testing. Allele origin: germline.
Comment: This variant was observed in the ICSL laboratory as part of a predisposition screen in an ostensibly healthy population. It had not been previously curated by ICSL or reported in the Human Gene Mutation Database (HGMD: prior to June 1st, 2018), and was therefore a candidate for classification through an automated scoring system. Utilizing variant allele frequency, disease prevalence and penetrance estimates, and inheritance mode, an automated score was calculated to assess if this variant is too frequent to cause the disease. Based on the score and internal cut-off values, a variant classified as benign is not then subjected to further curation. The score for this variant resulted in a classification of benign for this disease.

Breakthrough Genomics
Classification: Benign. Review status: criteria provided, single submitter. Criteria: ACMG Guidelines, 2015. Collection method: not provided. Allele origin: germline. Inheritance: Autosomal dominant inheritance. Affected: yes.

NM_031220.4(PITPNM3):c.*1617A>G

Gene: PITPNM3 (PITPNM family member 3; minus strand). Cytogenetic location: 17p13.2.
Variant type: single nucleotide variant.
Coding change: c.*1617A>G on transcript NM_031220.4 (MANE Select); 1617 bases downstream of the stop codon, A replaced by G.
Molecular consequence: 3 prime UTR variant.
Genome position (GRCh38, 1-based): chr17:6,453,721, T>C on the plus strand (A>G on the coding strand, the complement: PITPNM3 is on the minus strand). VCF-style: chr17-6453721-T-C. GRCh37 (hg19) VCF-style: chr17-6357041-T-C.
Other names: c.*1617A>G (NM_001165966.2).
Identifiers: ClinVar variation 324722 (VCV000324722.6), dbSNP rs191391858, ClinGen allele CA10650715.